The following is an entry in ClinVar:

ClinVar aggregate classification (germline): Benign (1 of 4 stars; one submission).

Conditions:
Deficiency of 2-methylbutyryl-CoA dehydrogenase (ACADSB). Also called: 2-methylbutyryl-CoA dehydrogenase deficiency; SBCAD deficiency; 2-methylbutyric aciduria; Short branched-chain acyl-CoA dehydrogenase deficiency; 2-methylbutyrylglycinuria. Identifiers: Orphanet 79157, MedGen C1864912, MONDO:0012392, OMIM 610006, HP:0020147.

Allele frequency attached by ClinVar (database versions not stated): gnomAD 0.00018 and 0.00036; TOPMed 0.00044; 1000 Genomes Project 0.00260; 1000 Genomes Project 30x 0.00281.

Submission:

Illumina Laboratory Services, Illumina
Classification: Benign for Deficiency of 2-methylbutyryl-CoA dehydrogenase. Last evaluated: 2017-04-27. Review status: criteria provided, single submitter. Criteria: ICSL Variant Classification Criteria 13 December 2019. Collection method: clinical testing. Allele origin: germline.
Comment: This variant was observed as part of a predisposition screen in an ostensibly healthy population. A literature search was performed for the gene, cDNA change, and amino acid change (where applicable). No publications were found based on this search. Allele frequency data from public databases was too high to be consistent with this variant causing disease. Therefore, this variant is classified as benign.

NM_001609.4(ACADSB):c.*3736G>T

Gene: ACADSB (acyl-CoA dehydrogenase short/branched chain; plus strand). Cytogenetic location: 10q26.13.
Variant type: single nucleotide variant.
Coding change: c.*3736G>T on transcript NM_001609.4 (MANE Select); 3736 bases downstream of the stop codon, G replaced by T.
Molecular consequence: 3 prime UTR variant.
Genome position (GRCh38, 1-based): chr10:123,057,501, G>T. VCF-style: chr10-123057501-G-T. GRCh37 (hg19) VCF-style: chr10-124817017-G-T.
Other names: c.*3736G>T (NM_001330174.3).
Identifiers: ClinVar variation 877485 (VCV000877485.4), dbSNP rs80159677, ClinGen allele CA215130672.
Genomic context (GRCh38, chr10:123,057,501, plus strand): 5'-TAGCTTTTCTTCTGATAACCATGACTTCAGGAGCTTTAAAACTATCTATCTTGCATTTGT[G>T]TCTGGCGGAGAACTAGCCATCAGCCTCCTGAAGCCTGCCATCATTGTTAATTTGAGGACT-3'